The following is an entry in ClinVar:

NM_000268.4(NF2):c.1749G>A (p.Gln583=)

Gene: NF2 (NF2, moesin-ezrin-radixin like (MERLIN) tumor suppressor; plus strand). Cytogenetic location: 22q12.2.
Variant type: single nucleotide variant.
Coding change: c.1749G>A on transcript NM_000268.4 (MANE Select); coding-DNA position 1749, G replaced by A.
Protein change: p.Gln583=; no amino-acid change (glutamine 583 retained).
Molecular consequence: synonymous variant. On other transcripts: 3 prime UTR variant (5), non-coding transcript variant (1).
Genome position (GRCh38, 1-based): chr22:29,694,763, G>A. VCF-style: chr22-29694763-G-A. GRCh37 (hg19) VCF-style: chr22-30090752-G-A.
Other names: p.Gln583=; c.*21G>A (NM_016418.5, NM_181828.3, NM_181829.3 and 1 more transcripts); c.*36G>A (NM_181832.3); c.459G>A, p.Gln153= (NM_181833.3).
Identifiers: ClinVar variation 134896 (VCV000134896.68), dbSNP rs201911915, ClinGen allele CA021386.
Genomic context (GRCh38, chr22:29,694,763, plus strand): 5'-CAGAGCGGAGGTCTTGTGCCCTCTCAGCTTCTTCTCTGCTTTCTTACAGCTCACCTTGCA[G>A]AGCGCCAAGTCCCGAGTGGCCTTCTTTGAAGAGCTCTAGCAGGTGACCCAGCCACCCCAG-3'
Protein context (NP_000259.1, residues 573-593): KHNTIKKLTL[Gln583=]SAKSRVAFFE

ClinVar aggregate classification (germline): Benign/Likely benign. Review status: criteria provided, multiple submitters, no conflicts (2 of 4 stars). 13 submissions from 13 submitters: Benign (6); Likely benign (6). 1 of the submissions does not count toward it. Last evaluated 2026-01-28.

Conditions:
Hereditary cancer-predisposing syndrome. Also called: Tumor predisposition; Hereditary neoplastic syndrome; Hereditary Cancer Syndrome; Neoplastic Syndromes, Hereditary. Identifiers: Orphanet 140162, MedGen C0027672, MeSH D009386, MONDO:0015356.
Neurofibromatosis, type 2 (SWNV). Also called: NF2-Related Schwannomatosis; SCHWANNOMATOSIS, VESTIBULAR; BILATERAL ACOUSTIC NEUROFIBROMATOSIS. Identifiers: Orphanet 637, MedGen C0027832, MONDO:0007039, OMIM 101000. Disease mechanism: loss of function.

Allele frequency attached by ClinVar (database versions not stated): ESP Exome Variant Server 0.00008; TOPMed 0.00008; gnomAD exomes 0.00012 and 0.00016; gnomAD 0.00016 and 0.00014; ExAC 0.00015.
gnomAD v4.1: 194 of 1,613,790 alleles (0.012%); highest among the groups gnomAD compares: Non-Finnish European, 0.011%; no homozygotes.

Submissions (13):

Labcorp Genetics (formerly Invitae), Labcorp
Classification: Benign for Neurofibromatosis, type 2. Last evaluated: 2026-01-28. Review status: criteria provided, single submitter. Criteria: Invitae Variant Classification Sherloc (09022015). Collection method: clinical testing. Allele origin: germline.

Mayo Clinic Laboratories, Mayo Clinic
Classification: Likely benign. Last evaluated: 2025-07-21. Review status: criteria provided, single submitter. Criteria: ACMG Guidelines, 2015. Collection method: clinical testing. Allele origin: germline. Observed: 2 variant alleles.
Comment: BP4, BP7

CeGaT Center for Human Genetics Tuebingen
Classification: Likely benign. Last evaluated: 2025-05-01. Review status: criteria provided, single submitter. Criteria: CeGaT Center For Human Genetics Tuebingen Variant Classification Criteria Version 2. Collection method: clinical testing. Allele origin: germline. Affected: yes. Observed: 7 variant alleles.
Comment: NF2: BP4

Laboratory of Genetics, Children's Clinical University Hospital Latvia
Classification: Benign. Last evaluated: 2025-02-16. Review status: criteria provided, single submitter. Criteria: ACMG Guidelines, 2015. Collection method: clinical testing. Allele origin: germline. Affected: yes.

Blueprint Genetics
Classification: Likely benign. Last evaluated: 2024-11-04. Review status: criteria provided, single submitter. Criteria: ACMG Guidelines, 2015. Collection method: clinical testing. Allele origin: germline.

All of Us Research Program, National Institutes of Health
Classification: Benign for Neurofibromatosis, type 2. Last evaluated: 2023-12-13. Review status: criteria provided, single submitter. Criteria: ACMG Guidelines, 2015. Collection method: clinical testing. Allele origin: germline. Inheritance: Autosomal dominant inheritance. Observed: 33 variant alleles, 33 heterozygotes.
Comment: This study involves interpretation of variants in research participants for the purpose of population health screening. Participant phenotype was not available at the time of variant classification. Additional details can be found in publication PMID: 35346344, PMCID: PMC8962531

Color Diagnostics, LLC DBA Color Health
Classification: Benign for Neurofibromatosis, type 2. Last evaluated: 2022-03-08. Review status: criteria provided, single submitter. Criteria: ACMG Guidelines, 2015. Collection method: clinical testing. Allele origin: germline.

Genome-Nilou Lab
Classification: Benign for Neurofibromatosis, type 2. Last evaluated: 2021-11-07. Review status: criteria provided, single submitter. Criteria: ACMG Guidelines, 2015. Collection method: clinical testing. Allele origin: germline. Affected: no.

Sema4
Classification: Benign for Hereditary cancer-predisposing syndrome. Last evaluated: 2021-07-18. Review status: criteria provided, single submitter. Criteria: Sema4 Curation Guidelines. Collection method: curation. Allele origin: germline.

ARUP Laboratories, Molecular Genetics and Genomics, ARUP Laboratories
Classification: Likely benign. Last evaluated: 2021-02-05. Review status: criteria provided, single submitter. Criteria: ARUP Molecular Germline Variant Investigation Process 2021. Collection method: clinical testing. Allele origin: germline.

GeneDx
Classification: Likely benign. Last evaluated: 2018-01-24. Review status: criteria provided, single submitter. Criteria: GeneDx Variant Classification (06012015). Collection method: clinical testing. Allele origin: germline. Affected: yes.
Comment: This variant is considered likely benign or benign based on one or more of the following criteria: it is a conservative change, it occurs at a poorly conserved position in the protein, it is predicted to be benign by multiple in silico algorithms, and/or has population frequency not consistent with disease.

Ambry Genetics
Classification: Likely benign for Hereditary cancer-predisposing syndrome. Last evaluated: 2017-08-07. Review status: criteria provided, single submitter. Criteria: Ambry Variant Classification Scheme 2023. Collection method: clinical testing. Allele origin: germline.

ITMI
No classification provided. Condition: AllHighlyPenetrant. Last evaluated: 2013-09-19. Review status: no classification provided. Collection method: reference population. Allele origin: germline. Not counted in ClinVar's aggregate classification.
Comment: Please see associated publication for description of ethnicities

Literature cited by the submitters: PubMed 24728327 (cited by ITMI).